The following is an entry in ClinVar:

NM_003001.5(SDHC):c.21-3C>T

Gene: SDHC (succinate dehydrogenase complex subunit C; plus strand). Cytogenetic location: 1q23.3.
Variant type: single nucleotide variant.
Coding change: c.21-3C>T on transcript NM_003001.5 (MANE Select); 3 bases into the intron before coding-DNA position 21, C replaced by T.
Molecular consequence: intron variant.
Genome position (GRCh38, 1-based): chr1:161,323,611, C>T. VCF-style: chr1-161323611-C-T. GRCh37 (hg19) VCF-style: chr1-161293401-C-T.
Other names: c.-91-3C>T (NM_001407119.1); c.-209-3C>T (NM_001407120.1); c.21-3C>T (NM_001407115.1, NM_001035511.3, NM_001035512.3 and 2 more transcripts); c.21-4785C>T (NM_001407116.1, NM_001407121.1, NM_001407117.1); c.20+9186C>T (NM_001035513.3).
Identifiers: ClinVar variation 1446438 (VCV001446438.7), dbSNP rs1670921815, ClinGen allele CA2573131183.

ClinVar aggregate classification (germline): Uncertain significance (1 of 4 stars; one submission).

Conditions:
Gastrointestinal stromal tumor. Also called: Gastrointestinal stroma tumor; Gastrointestinal stromal tumor, somatic. Identifiers: Orphanet 44890, MedGen C0238198, MeSH D046152, MONDO:0011719, OMIM 606764, HP:0100723.
Pheochromocytoma/paraganglioma syndrome 3. Also called: GLOMUS TUMORS, FAMILIAL, 3; SDHC-Related Hereditary Paraganglioma-Pheochromocytoma Syndrome; Paragangliomas 3; SDHC-Related Hereditary Paraganglioma-Pheochromocytoma Syndrome (Paragangliomas 3). Identifiers: Orphanet 29072, MedGen C1854336, MONDO:0011544, OMIM 605373.

Submission:

Labcorp Genetics (formerly Invitae), Labcorp
Classification: Uncertain significance for Pheochromocytoma/paraganglioma syndrome 3; Gastrointestinal stromal tumor. Last evaluated: 2021-07-26. Review status: criteria provided, single submitter. Criteria: Invitae Variant Classification Sherloc (09022015). Collection method: clinical testing. Allele origin: germline.
Comment: In summary, the available evidence is currently insufficient to determine the role of this variant in disease. Therefore, it has been classified as a Variant of Uncertain Significance. Nucleotide substitutions within the consensus splice site are a relatively common cause of aberrant splicing (PMID: 17576681, 9536098). Algorithms developed to predict the effect of sequence changes on RNA splicing suggest that this variant may disrupt the consensus splice site. This sequence change falls in intron 1 of the SDHC gene. It does not directly change the encoded amino acid sequence of the SDHC protein. It affects a nucleotide within the consensus splice site of the intron. This variant is not present in population databases (ExAC no frequency). This variant has not been reported in the literature in individuals affected with SDHC-related conditions.

Literature cited by the submitters: PubMed 17576681; PubMed 9536098.